The following is an entry in ClinVar:

NM_006939.4(SOS2):c.103C>T (p.His35Tyr)

Gene: SOS2 (SOS Ras/Rho guanine nucleotide exchange factor 2; minus strand). Cytogenetic location: 14q21.3.
Variant type: single nucleotide variant.
Coding change: c.103C>T on transcript NM_006939.4 (MANE Select); coding-DNA position 103, C replaced by T.
Protein change: p.His35Tyr; replaces histidine 35 with tyrosine.
Molecular consequence: missense variant.
Genome position (GRCh38, 1-based): chr14:50,204,394, G>A on the plus strand (C>T on the coding strand, the complement: SOS2 is on the minus strand). VCF-style: chr14-50204394-G-A. GRCh37 (hg19) VCF-style: chr14-50671112-G-A.
Other names: c.103C>T, p.His35Tyr (NM_001411020.1); short protein forms H35Y.
Identifiers: ClinVar variation 5020926 (VCV005020926.1).

ClinVar aggregate classification (germline): Uncertain significance (1 of 4 stars; one submission).

Submission:

Dasa
Classification: Uncertain significance. Last evaluated: 2025-06-27. Review status: criteria provided, single submitter. Criteria: DASA Assertion Criteria. Collection method: clinical testing. Allele origin: germline.
Comment: NM_006939.4(SOS2):c.103C>T (p.His35Tyr) is a missense variant that results in the substitution of histidine with tyrosine. This variant is rare in population databases. Computational prediction algorithms are consistent with a deleterious effect. The currently available literature and clinical evidence are not sufficient to establish a definitive association between this variant and the reported condition. Therefore, this variant is classified as a variant of uncertain significance.